The following is an entry in ClinVar:

NM_004519.4(KCNQ3):c.*425C>A

Gene: KCNQ3 (potassium voltage-gated channel subfamily Q member 3; minus strand). Cytogenetic location: 8q24.22.
Variant type: single nucleotide variant.
Coding change: c.*425C>A on transcript NM_004519.4 (MANE Select); 425 bases downstream of the stop codon, C replaced by A.
Molecular consequence: 3 prime UTR variant.
Genome position (GRCh38, 1-based): chr8:132,128,837, G>T on the plus strand (C>A on the coding strand, the complement: KCNQ3 is on the minus strand). VCF-style: chr8-132128837-G-T. GRCh37 (hg19) VCF-style: chr8-133141084-G-T.
Other names: c.*425C>A (NM_001204824.2).
Identifiers: ClinVar variation 361870 (VCV000361870.7), dbSNP rs10956641, ClinGen allele CA10630260.

ClinVar aggregate classification (germline): Benign. Review status: criteria provided, multiple submitters, no conflicts (2 of 4 stars). 2 submissions from 2 submitters: Benign (2). Last evaluated 2018-01-13.

Conditions:
Seizures, benign familial neonatal, 2. Also called: CONVULSIONS, BENIGN FAMILIAL NEONATAL, 2; KCNQ3-Related Self-Limited Familial Neonatal Epilepsy (SLFNE); Benign Neonatal Epilepsy 2; KCNQ3-Related Benign Familial Neonatal Epilepsy; Seizures, benign neonatal, 2. Identifiers: Orphanet 1949, MedGen C1852581, MONDO:0007366, OMIM 121201.

Allele frequency attached by ClinVar (database versions not stated): gnomAD 0.24242 and 0.24723; 1000 Genomes Project 0.25379; TOPMed 0.24464; 1000 Genomes Project 30x 0.25406; gnomAD exomes 0.27694.
gnomAD v4.1: 45,639 of 181,208 alleles (25%); highest among the groups gnomAD compares: South Asian, 35%; 6,043 homozygotes.

Submissions (2):

Illumina Laboratory Services, Illumina
Classification: Benign for Seizures, benign familial neonatal, 2. Last evaluated: 2018-01-13. Review status: criteria provided, single submitter. Criteria: ICSL Variant Classification Criteria 13 December 2019. Collection method: clinical testing. Allele origin: germline.
Comment: This variant was observed in the ICSL laboratory as part of a predisposition screen in an ostensibly healthy population. It had not been previously curated by ICSL or reported in the Human Gene Mutation Database (HGMD: prior to June 1st, 2018), and was therefore a candidate for classification through an automated scoring system. Utilizing variant allele frequency, disease prevalence and penetrance estimates, and inheritance mode, an automated score was calculated to assess if this variant is too frequent to cause the disease. Based on the score and internal cut-off values, a variant classified as benign is not then subjected to further curation. The score for this variant resulted in a classification of benign for this disease.

Breakthrough Genomics
Classification: Benign. Review status: criteria provided, single submitter. Criteria: ACMG Guidelines, 2015. Collection method: not provided. Allele origin: germline. Inheritance: Autosomal dominant inheritance. Affected: yes.